The following is an entry in ClinVar:

NM_005267.5(GJA8):c.566C>T (p.Pro189Leu)

Gene: GJA8 (gap junction protein alpha 8; plus strand). Cytogenetic location: 1q21.2.
Variant type: single nucleotide variant.
Coding change: c.566C>T on transcript NM_005267.5 (MANE Select); coding-DNA position 566, C replaced by T.
Protein change: p.Pro189Leu; replaces proline 189 with leucine.
Molecular consequence: missense variant.
Genome position (GRCh38, 1-based): chr1:147,908,521, C>T. VCF-style: chr1-147908521-C-T. GRCh37 (hg19) VCF-style: chr1-147380648-C-T.
Other names: short protein forms P189L.
Identifiers: ClinVar variation 68465 (VCV000068465.2), dbSNP rs397515627, ClinGen allele CA145179.

ClinVar aggregate classification (germline): Uncertain significance. Review status: criteria provided, single submitter (1 of 4 stars). 2 submissions from 2 submitters: Uncertain significance (1). 1 of the submissions does not count toward it. Last evaluated 2023-01-21.

Conditions:
Cataract 1 multiple types. Also called: CATARACT 1, NUCLEAR PROGRESSIVE; CATARACT 1 WITH MICROCORNEA; CATARACT 1, MULTIPLE TYPES, WITH OR WITHOUT MICROCORNEA; CATARACT, DUFFY-LINKED; CATARACT 1, POSTERIOR SUBCAPSULAR, WITH MICROCORNEA; CATARACT 1, STELLATE NUCLEAR, WITH MICROCORNEA. Identifiers: Orphanet 1377, MedGen C1861828, MONDO:0007285, OMIM 116200.

Allele frequency attached by ClinVar (database versions not stated): gnomAD exomes below 0.00001.
gnomAD v4.1: 1 of 1,614,130 alleles (0.000062%); highest among the groups gnomAD compares: Non-Finnish European, 0.000085%; no homozygotes.

Submissions (2):

Dept. Genetics and Cancer, Menzies Institute for Medical Research, University of Tasmania
Classification: Uncertain significance for Cataract 1 multiple types. Last evaluated: 2023-01-21. Review status: criteria provided, single submitter. Criteria: ACMG Guidelines, 2015. Collection method: curation. Allele origin: germline. Affected: yes.
Comment: Variant identified and curated during a GJA8 specific review of the literature in relation to pediatric or congenital cataract. ACMG-AMP criteria applied: PM2(Supporting), PP3. Original variant report: PMID:17724170. Gene review and curation guidelines are outlined in: DOI 10.1080/17469899.2023.2160320

OMIM
Classification: Pathogenic for CATARACT 1, STELLATE NUCLEAR, WITH MICROCORNEA. Last evaluated: 2007-09-01. Review status: no assertion criteria provided. Collection method: literature only. Allele origin: germline. Not counted in ClinVar's aggregate classification.

Literature cited by the submitters: PubMed 17724170 (cited by Dept. Genetics and Cancer, Menzies Institute for Medical Research, University of Tasmania and OMIM).